The following is an entry in ClinVar:

ClinVar aggregate classification (germline): Benign. Review status: criteria provided, multiple submitters, no conflicts (2 of 4 stars). 2 submissions from 2 submitters: Benign (2). Last evaluated 2018-01-12.

Conditions:
Mucopolysaccharidosis, MPS-III-C (MPS3C). Also called: SANFILIPPO SYNDROME C; MPS III C; MUCOPOLYSACCHARIDOSIS, TYPE IIIC; MPS IIIC (Sanfilippo Syndrome Type C); Mucopolysaccharidosis type IIIC (Sanfilippo C); mucopolysaccharidosis type 3C. Identifiers: Orphanet 581, Orphanet 79271, MedGen C0086649, MONDO:0009657, OMIM 252930.

Allele frequency attached by ClinVar (database versions not stated): gnomAD exomes 0.00526; gnomAD 0.04318 and 0.04598; TOPMed 0.04814; 1000 Genomes Project 0.05172; 1000 Genomes Project 30x 0.05434.
gnomAD v4.1: 6,505 of 152,476 alleles (4.3%); highest among the groups gnomAD compares: African/African-American, 15%; 462 homozygotes.

Submissions (5):

Illumina Laboratory Services, Illumina
Classification: Benign for Mucopolysaccharidosis, MPS-III-C. Last evaluated: 2018-01-12. Review status: criteria provided, single submitter. Criteria: ICSL Variant Classification Criteria 13 December 2019. Collection method: clinical testing. Allele origin: germline.
Comment: This variant was observed in the ICSL laboratory as part of a predisposition screen in an ostensibly healthy population. It had not been previously curated by ICSL or reported in the Human Gene Mutation Database (HGMD: prior to June 1st, 2018), and was therefore a candidate for classification through an automated scoring system. Utilizing variant allele frequency, disease prevalence and penetrance estimates, and inheritance mode, an automated score was calculated to assess if this variant is too frequent to cause the disease. Based on the score and internal cut-off values, a variant classified as benign is not then subjected to further curation. The score for this variant resulted in a classification of benign for this disease.

Breakthrough Genomics
Classification: Benign. Review status: criteria provided, single submitter. Criteria: ACMG Guidelines, 2015. Collection method: not provided. Allele origin: germline. Inheritance: Autosomal recessive inheritance. Affected: yes.

Dr. Peter K. Rogan Lab, Western University
No classification provided (evidence only). Condition: Acute myeloid leukemia. Review status: no classification provided. Collection method: in vitro. Allele origin: not applicable. Functional consequence: retained intron. Not counted in ClinVar's aggregate classification.

Dr. Peter K. Rogan Lab, Western University
No classification provided (evidence only). Condition: Acute myeloid leukemia. Review status: no classification provided. Collection method: in vitro. Allele origin: not applicable. Functional consequence: retained intron. Not counted in ClinVar's aggregate classification.

Dr. Peter K. Rogan Lab, Western University
No classification provided (evidence only). Condition: Ovarian serous cystadenocarcinoma. Review status: no classification provided. Collection method: in vitro. Allele origin: not applicable. Functional consequence: retained intron. Not counted in ClinVar's aggregate classification.

NM_152419.3(HGSNAT):c.*1216G>A

Gene: HGSNAT (heparan-alpha-glucosaminide N-acetyltransferase; plus strand). Cytogenetic location: 8p11.1.
Variant type: single nucleotide variant.
Coding change: c.*1216G>A on transcript NM_152419.3 (MANE Select); 1216 bases downstream of the stop codon, G replaced by A.
Molecular consequence: 3 prime UTR variant.
Genome position (GRCh38, 1-based): chr8:43,200,785, G>A. VCF-style: chr8-43200785-G-A. GRCh37 (hg19) VCF-style: chr8-43055928-G-A.
Other names: NC_000008.10:g.43055928G>A; c.*1216G>A (NM_001363227.2, NM_001363228.2, NM_001363229.2).
Identifiers: ClinVar variation 363166 (VCV000363166.7), dbSNP rs73569597, ClinGen allele CA10631155.
Genomic context (GRCh38, chr8:43,200,785, plus strand): 5'-TGGGAATTTCCTGTGTGAGGAAAACGTGGCCACAGGGTTGTGCTGTACCCACCCTTCCCC[G>A]GCGAGATGGCCCTCGGCCTGTGCCGCTGCTTCCACCCTCGCCACTCCATGGCAGCTTTTG-3'